The following is an entry in ClinVar:

NM_198963.3(DHX57):c.3053A>G (p.Gln1018Arg)

Gene: DHX57 (DExH-box helicase 57; minus strand). Cytogenetic location: 2p22.1.
Variant type: single nucleotide variant.
Coding change: c.3053A>G on transcript NM_198963.3 (MANE Select); coding-DNA position 3053, A replaced by G.
Protein change: p.Gln1018Arg; replaces glutamine 1018 with arginine.
Molecular consequence: missense variant.
Genome position (GRCh38, 1-based): chr2:38,823,231, T>C on the plus strand (A>G on the coding strand, the complement: DHX57 is on the minus strand). VCF-style: chr2-38823231-T-C. GRCh37 (hg19) VCF-style: chr2-39050373-T-C.
Other names: c.2747A>G, p.Gln916Arg (NM_001329963.1); c.3053A>G (NM_198963.1); short protein forms Q1018R, Q916R.
Identifiers: ClinVar variation 3054128 (VCV003054128.3), dbSNP rs116823078, ClinGen allele CA1622732.

ClinVar aggregate classification (germline): Uncertain significance. Review status: criteria provided, single submitter (1 of 4 stars). 2 submissions from 2 submitters: Uncertain significance (1). 1 of the submissions does not count toward it. Last evaluated 2025-12-11.

Conditions:
DHX57-related disorder. Also called: DHX57-related condition.

Allele frequency attached by ClinVar (database versions not stated): gnomAD exomes 0.00011; 1000 Genomes Project 0.00200; 1000 Genomes Project 30x 0.00187; gnomAD 0.00094; TOPMed 0.00111; ExAC 0.00032; ESP Exome Variant Server 0.00131.
gnomAD v4.1: 312 of 1,614,132 alleles (0.019%); highest among the groups gnomAD compares: African/African-American, 0.37%; no homozygotes.

Submissions (2):

Ambry Genetics
Classification: Uncertain significance. Last evaluated: 2025-12-11. Review status: criteria provided, single submitter. Criteria: Ambry Variant Classification Scheme 2023. Collection method: clinical testing. Allele origin: germline.

PreventionGenetics, part of Exact Sciences
Classification: Likely benign for DHX57-related condition. Last evaluated: 2020-06-19. Review status: no assertion criteria provided. Collection method: clinical testing. Allele origin: germline. Not counted in ClinVar's aggregate classification.
Comment: This variant is classified as likely benign based on ACMG/AMP sequence variant interpretation guidelines (Richards et al. 2015 PMID: 25741868, with internal and published modifications).